The following is an entry in ClinVar:

ClinVar aggregate classification (germline): Likely benign. Review status: criteria provided, multiple submitters, no conflicts (2 of 4 stars). 3 submissions from 3 submitters: Likely benign (3). Last evaluated 2025-10-26.

Conditions:
COG1 congenital disorder of glycosylation (CDG2G). Also called: CONGENITAL DISORDER OF GLYCOSYLATION, TYPE IIg; CDG IIg; CDGII/COG1 CEREBROCOSTOMANDIBULAR-LIKE SYNDROME. Identifiers: Orphanet 263508, MedGen C2931011, MONDO:0012637, OMIM 611209.

Allele frequency attached by ClinVar (database versions not stated): gnomAD exomes 0.00007 and 0.00014; ExAC 0.00019; gnomAD 0.00047 and 0.00052; TOPMed 0.00052; ESP Exome Variant Server 0.00054; 1000 Genomes Project 30x 0.00203; 1000 Genomes Project 0.00220.
gnomAD v4.1: 209 of 1,614,248 alleles (0.013%); highest among the groups gnomAD compares: African/African-American, 0.19%; no homozygotes.

Submissions (3):

Labcorp Genetics (formerly Invitae), Labcorp
Classification: Likely benign for COG1 congenital disorder of glycosylation. Last evaluated: 2025-10-26. Review status: criteria provided, single submitter. Criteria: Invitae Variant Classification Sherloc (09022015). Collection method: clinical testing. Allele origin: germline.

Blueprint Genetics
Classification: Likely benign. Last evaluated: 2024-06-24. Review status: criteria provided, single submitter. Criteria: ACMG Guidelines, 2015. Collection method: clinical testing. Allele origin: germline.

CeGaT Center for Human Genetics Tuebingen
Classification: Likely benign. Last evaluated: 2023-09-01. Review status: criteria provided, single submitter. Criteria: CeGaT Center For Human Genetics Tuebingen Variant Classification Criteria Version 2. Collection method: clinical testing. Allele origin: germline. Affected: yes. Observed: 1 variant allele.
Comment: COG1: BP4

NM_018714.3(COG1):c.1710G>A (p.Leu570=)

Gene: COG1 (component of oligomeric golgi complex 1; plus strand). Cytogenetic location: 17q25.1.
Variant type: single nucleotide variant.
Coding change: c.1710G>A on transcript NM_018714.3 (MANE Select); coding-DNA position 1710, G replaced by A.
Protein change: p.Leu570=; no amino-acid change (leucine 570 retained).
Molecular consequence: synonymous variant.
Genome position (GRCh38, 1-based): chr17:73,201,537, G>A. VCF-style: chr17-73201537-G-A. GRCh37 (hg19) VCF-style: chr17-71197676-G-A.
Identifiers: ClinVar variation 788188 (VCV000788188.35), dbSNP rs139407216, ClinGen allele CA8740269.